The following is an entry in ClinVar:

ClinVar aggregate classification (germline): Uncertain significance (1 of 4 stars; one submission).

Conditions:
Hereditary cancer-predisposing syndrome. Also called: Neoplastic Syndromes, Hereditary; Tumor predisposition; Hereditary Cancer Syndrome; Hereditary neoplastic syndrome. Identifiers: Orphanet 140162, MedGen C0027672, MeSH D009386, MONDO:0015356.

Submission:

Color Diagnostics, LLC DBA Color Health
Classification: Uncertain significance for Hereditary cancer-predisposing syndrome. Last evaluated: 2024-03-06. Review status: criteria provided, single submitter. Criteria: ACMG Guidelines, 2015. Collection method: clinical testing. Allele origin: germline.
Comment: This missense variant replaces methionine with isoleucine at codon 2393 of the BRCA2 protein. Computational prediction suggests that this variant may not impact protein structure and function (internally defined REVEL score threshold <= 0.5, PMID: 27666373). To our knowledge, functional studies have not been reported for this variant. This variant has not been reported in individuals affected with hereditary cancer in the literature. This variant has not been identified in the general population by the Genome Aggregation Database (gnomAD). The available evidence is insufficient to determine the role of this variant in disease conclusively. Therefore, this variant is classified as a Variant of Uncertain Significance.

NM_000059.4(BRCA2):c.7179G>A (p.Met2393Ile)

Gene: BRCA2 (BRCA2 DNA repair associated; plus strand). Cytogenetic location: 13q13.1.
Variant type: single nucleotide variant.
Coding change: c.7179G>A on transcript NM_000059.4 (MANE Select); coding-DNA position 7179, G replaced by A.
Protein change: p.Met2393Ile; replaces methionine 2393 with isoleucine.
Molecular consequence: missense variant. On other transcripts: non-coding transcript variant (1).
Genome position (GRCh38, 1-based): chr13:32,355,032, G>A. VCF-style: chr13-32355032-G-A. GRCh37 (hg19) VCF-style: chr13-32929169-G-A.
Other names: c.7083G>A, p.Met2361Ile (NM_001406719.1); c.7179G>A, p.Met2393Ile (NM_001406720.1); c.2247G>A, p.Met749Ile (NM_001406721.1); c.762G>A, p.Met254Ile (NM_001406722.1); short protein forms M2393I, M749I, M2361I, M254I.
Identifiers: ClinVar variation 2774939 (VCV002774939.2), dbSNP rs2072679193, ClinGen allele CA387739556.
Genomic context (GRCh38, chr13:32,355,032, plus strand): 5'-CAATTTAGCAGTTTCAGGACATCCATTTTATCAAGTTTCTGCTACAAGAAATGAAAAAAT[G>A]AGACACTTGATTACTACAGGCAGACCAACCAAAGTCTTTGTTCCACCTTTTAAAACTAAA-3'
Protein context (NP_000050.3, residues 2383-2403): YQVSATRNEK[Met2393Ile]RHLITTGRPT